The following is an entry in ClinVar:

Conditions:
Breast-ovarian cancer, familial, susceptibility to, 1 (BROVCA1). Also called: BRCA1 Hereditary Breast and Ovarian Cancer; OVARIAN CANCER, SUSCEPTIBILITY TO. Identifiers: Orphanet 145, MedGen C2676676, MONDO:0011450, OMIM 604370. Disease mechanism: loss of function.

Submission:

Brotman Baty Institute, University of Washington
No classification provided (evidence only). Condition: Breast-ovarian cancer, familial 1. Review status: no classification provided. Collection method: in vitro. Allele origin: not applicable. Functional consequence: functionally_normal.
ClinVar note: "not provided" was previously submitted as the classification for the variant. However, the classification appeared to be based only on an observation of functional data so it was converted to no classification on 2025-07-30.

NM_007294.4(BRCA1):c.5248A>C (p.Lys1750Gln)

Gene: BRCA1 (BRCA1 DNA repair associated; minus strand). Cytogenetic location: 17q21.31.
Variant type: single nucleotide variant.
Coding change: c.5248A>C on transcript NM_007294.4 (MANE Select); coding-DNA position 5248, A replaced by C.
Protein change: p.Lys1750Gln; replaces lysine 1750 with glutamine.
Molecular consequence: missense variant. On other transcripts: non-coding transcript variant (1).
Genome position (GRCh38, 1-based): chr17:43,057,081, T>G on the plus strand (A>C on the coding strand, the complement: BRCA1 is on the minus strand). VCF-style: chr17-43057081-T-G. GRCh37 (hg19) VCF-style: chr17-41209098-T-G.
Other names: c.5101A>C, p.Lys1701Gln (NM_001407841.1, NM_001407842.1, NM_001407843.1 and 12 more transcripts); c.5242A>C, p.Lys1748Gln (NM_001407861.1, NM_001407629.1, NM_001407630.1 and 14 more transcripts); c.5047A>C, p.Lys1683Gln (NM_001407862.1); c.5044A>C, p.Lys1682Gln (NM_001407863.1); c.5041A>C, p.Lys1681Gln (NM_001407874.1, NM_001407875.1); c.5038A>C, p.Lys1680Gln (NM_001407879.1, NM_001407881.1, NM_001407882.1 and 5 more transcripts); c.5035A>C, p.Lys1679Gln (NM_001407900.1, NM_001407902.1, NM_001407904.1 and 12 more transcripts); c.5032A>C, p.Lys1678Gln (NM_001407915.1, NM_001407916.1, NM_001407917.1 and 1 more transcripts); and 72 more; short protein forms K1703Q, K1750Q, K646Q, K1771Q, K1596Q, K1622Q, K1639Q, K1682Q.
Identifiers: ClinVar variation 865199 (VCV000865199.3), dbSNP rs2051507325, ClinGen allele CA10591053.